The following is an entry in ClinVar:

NM_181486.4(TBX5):c.1293C>G (p.Thr431=)

Gene: TBX5 (T-box transcription factor 5; minus strand). Cytogenetic location: 12q24.21.
Variant type: single nucleotide variant.
Coding change: c.1293C>G on transcript NM_181486.4 (MANE Select); coding-DNA position 1293, C replaced by G.
Protein change: p.Thr431=; no amino-acid change (threonine 431 retained).
Molecular consequence: synonymous variant.
Genome position (GRCh38, 1-based): chr12:114,355,796, G>C on the plus strand (C>G on the coding strand, the complement: TBX5 is on the minus strand). VCF-style: chr12-114355796-G-C. GRCh37 (hg19) VCF-style: chr12-114793601-G-C.
Other names: c.1293C>G, p.Thr431= (NM_000192.3); c.1143C>G, p.Thr381= (NM_080717.4).
Identifiers: ClinVar variation 1656878 (VCV001656878.12), dbSNP rs143971376, ClinGen allele CA6809363.

ClinVar aggregate classification (germline): Likely benign. Review status: criteria provided, multiple submitters, no conflicts (2 of 4 stars). 4 submissions from 4 submitters: Likely benign (4). Last evaluated 2026-06-02.

Conditions:
TBX5-related disorder. Also called: TBX5-related condition.
Aortic valve disease 2 (AOVD2). Identifiers: MedGen C3542024, MONDO:0013902, OMIM 614823.
Cardiovascular phenotype. Identifiers: MedGen CN230736.

Allele frequency attached by ClinVar (database versions not stated): ExAC 0.00005; gnomAD 0.00006 and 0.00009; gnomAD exomes 0.00006 and 0.00015; TOPMed 0.00009; ESP Exome Variant Server 0.00023.
gnomAD v4.1: 239 of 1,614,074 alleles (0.015%); highest among the groups gnomAD compares: Non-Finnish European, 0.019%; no homozygotes.

Submissions (4):

PreventionGenetics, part of Exact Sciences
Classification: Likely benign for TBX5-related condition. Last evaluated: 2026-06-02. Review status: criteria provided, single submitter. Criteria: ACMG Guidelines, 2015. Collection method: clinical testing. Allele origin: germline.
Comment: This variant is classified as likely benign based on ACMG/AMP sequence variant interpretation guidelines (Richards et al. 2015 PMID: 25741868, with internal and published modifications).

Labcorp Genetics (formerly Invitae), Labcorp
Classification: Likely benign for Aortic valve disease 2. Last evaluated: 2025-04-19. Review status: criteria provided, single submitter. Criteria: Invitae Variant Classification Sherloc (09022015). Collection method: clinical testing. Allele origin: germline.

Blueprint Genetics
Classification: Likely benign. Last evaluated: 2023-10-27. Review status: criteria provided, single submitter. Criteria: ACMG Guidelines, 2015. Collection method: clinical testing. Allele origin: germline.

Ambry Genetics
Classification: Likely benign for Cardiovascular phenotype. Last evaluated: 2020-03-20. Review status: criteria provided, single submitter. Criteria: Ambry Variant Classification Scheme 2023. Collection method: clinical testing. Allele origin: germline.